The following is an entry in ClinVar:

ClinVar aggregate classification (germline): Uncertain significance (1 of 4 stars; one submission).

Conditions:
STAT3 gain of function. Identifiers: MedGen C4288261.
Hyper-IgE recurrent infection syndrome 1, autosomal dominant. Also called: STAT3 Hyper IgE Syndrome; Hyper-IgE recurrent infection syndrome 1; JOB SYNDROME; HYPER-IgE SYNDROME 1, AUTOSOMAL DOMINANT, WITH RECURRENT INFECTIONS; Job's Syndrome. Identifiers: Orphanet 2314, MedGen C2936739, MONDO:0007818, OMIM 147060.

Submission:

Labcorp Genetics (formerly Invitae), Labcorp
Classification: Uncertain significance for STAT3 gain of function; Hyper-IgE recurrent infection syndrome 1, autosomal dominant. Last evaluated: 2023-12-04. Review status: criteria provided, single submitter. Criteria: Invitae Variant Classification Sherloc (09022015). Collection method: clinical testing. Allele origin: germline.
Comment: This sequence change replaces glutamic acid, which is acidic and polar, with alanine, which is neutral and non-polar, at codon 306 of the STAT3 protein (p.Glu306Ala). This variant is not present in population databases (gnomAD no frequency). This variant has not been reported in the literature in individuals affected with STAT3-related conditions. Advanced modeling of protein sequence and biophysical properties (such as structural, functional, and spatial information, amino acid conservation, physicochemical variation, residue mobility, and thermodynamic stability) performed at Invitae indicates that this missense variant is not expected to disrupt STAT3 protein function with a negative predictive value of 80%. In summary, the available evidence is currently insufficient to determine the role of this variant in disease. Therefore, it has been classified as a Variant of Uncertain Significance.

NM_139276.3(STAT3):c.917A>C (p.Glu306Ala)

Gene: STAT3 (signal transducer and activator of transcription 3; minus strand). Cytogenetic location: 17q21.2.
Variant type: single nucleotide variant.
Coding change: c.917A>C on transcript NM_139276.3 (MANE Select); coding-DNA position 917, A replaced by C.
Protein change: p.Glu306Ala; replaces glutamic acid 306 with alanine.
Molecular consequence: missense variant.
Genome position (GRCh38, 1-based): chr17:42,333,930, T>G on the plus strand (A>C on the coding strand, the complement: STAT3 is on the minus strand). VCF-style: chr17-42333930-T-G. GRCh37 (hg19) VCF-style: chr17-40485948-T-G.
Other names: c.917A>C, p.Glu306Ala (NM_001369512.1, NM_001369513.1, NM_001369514.1 and 15 more transcripts); c.821A>C, p.Glu274Ala (NM_001384989.1); c.839A>C, p.Glu280Ala (NM_001384985.1); short protein forms E274A, E280A, E306A.
Identifiers: ClinVar variation 2954433 (VCV002954433.3), dbSNP rs2082126690, ClinGen allele CA399591043.